The following is an entry in ClinVar:

ClinVar aggregate classification (germline): Uncertain significance (1 of 4 stars; one submission).

Conditions:
Epilepsy, idiopathic generalized, susceptibility to, 17 (EIG17). Identifiers: MedGen C5561931, MONDO:0100519, OMIM 602477.

Submission:

Department of Molecular Genetics, Istishari Arab Hospital
Classification: Uncertain significance for Epilepsy, idiopathic generalized, susceptibility to, 17. Last evaluated: 2026-10-29. Review status: criteria provided, single submitter. Criteria: ACMG Guidelines, 2015. Collection method: clinical testing. Allele origin: germline. Inheritance: Autosomal dominant inheritance. Affected: yes.
Comment: The HCN2 variant c.2549C>G, p.Pro850Arg creates an amino acid change from Proline to Arginine at position 850 in exon 8 (of 8 exons). This variant is not observed in the gnomAD v4.1.0 dataset and, to the best of our knowledge, it has not previously been reported in the literature. It is classified as a variant of uncertain significance based on the implementation of ACMG/AMP/ClinGen SVI guidelines.

NM_001194.4(HCN2):c.2549C>G (p.Pro850Arg)

Gene: HCN2 (hyperpolarization activated cyclic nucleotide gated potassium and sodium channel 2; plus strand). Cytogenetic location: 19p13.3.
Variant type: single nucleotide variant.
Coding change: c.2549C>G on transcript NM_001194.4 (MANE Select); coding-DNA position 2549, C replaced by G.
Protein change: p.Pro850Arg; replaces proline 850 with arginine.
Molecular consequence: missense variant.
Genome position (GRCh38, 1-based): chr19:616,353, C>G. VCF-style: chr19-616353-C-G. GRCh37 (hg19) VCF-style: chr19-616353-C-G.
Other names: p.Pro850Arg; short protein forms P850R.
Identifiers: ClinVar variation 5038039 (VCV005038039.1).